The following is an entry in ClinVar:

NM_032634.4(PIGO):c.1120-15C>A

Gene: PIGO (phosphatidylinositol glycan anchor biosynthesis class O; minus strand). Cytogenetic location: 9p13.3.
Variant type: single nucleotide variant.
Coding change: c.1120-15C>A on transcript NM_032634.4 (MANE Select); 15 bases into the intron before coding-DNA position 1120, C replaced by A.
Molecular consequence: intron variant.
Genome position (GRCh38, 1-based): chr9:35,092,782, G>T on the plus strand (C>A on the coding strand, the complement: PIGO is on the minus strand). VCF-style: chr9-35092782-G-T. GRCh37 (hg19) VCF-style: chr9-35092779-G-T.
Other names: c.1120-15C>A (NM_152850.4, NM_001201484.2).
Identifiers: ClinVar variation 262094 (VCV000262094.16), dbSNP rs77344591, ClinGen allele CA5040712.

ClinVar aggregate classification (germline): Benign/Likely benign. Review status: criteria provided, multiple submitters, no conflicts (2 of 4 stars). 6 submissions from 6 submitters: Benign (5); Likely benign (1). Last evaluated 2026-02-03.

Conditions:
Hyperphosphatasia with impaired intellectual development syndrome 2. Also called: Hyperphosphatasia with intellectual disability syndrome 2; GLYCOSYLPHOSPHATIDYLINOSITOL BIOSYNTHESIS DEFECT 6. Identifiers: Orphanet 247262, MedGen C3553637, MONDO:0013882, OMIM 614749.

Allele frequency attached by ClinVar (database versions not stated): gnomAD exomes 0.00631; ExAC 0.00752; ESP Exome Variant Server 0.02435; TOPMed 0.02653; 1000 Genomes Project 0.02935; 1000 Genomes Project 30x 0.03248.

Submissions (16):

Labcorp Genetics (formerly Invitae), Labcorp
Classification: Benign for Hyperphosphatasia with impaired intellectual development syndrome 2. Last evaluated: 2026-02-03. Review status: criteria provided, single submitter. Criteria: Invitae Variant Classification Sherloc (09022015). Collection method: clinical testing. Allele origin: germline.

Fulgent Genetics
Classification: Likely benign for Hyperphosphatasia with impaired intellectual development syndrome 2. Last evaluated: 2021-11-05. Review status: criteria provided, single submitter. Criteria: ACMG Guidelines, 2015. Collection method: clinical testing. Allele origin: unknown.

Illumina Laboratory Services, Illumina
Classification: Benign for Hyperphosphatasia with impaired intellectual development syndrome 2. Last evaluated: 2018-01-13. Review status: criteria provided, single submitter. Criteria: ICSL Variant Classification Criteria 13 December 2019. Collection method: clinical testing. Allele origin: germline.
Comment: This variant was observed in the ICSL laboratory as part of a predisposition screen in an ostensibly healthy population. It had not been previously curated by ICSL or reported in the Human Gene Mutation Database (HGMD: prior to June 1st, 2018), and was therefore a candidate for classification through an automated scoring system. Utilizing variant allele frequency, disease prevalence and penetrance estimates, and inheritance mode, an automated score was calculated to assess if this variant is too frequent to cause the disease. Based on the score and internal cut-off values, a variant classified as benign is not then subjected to further curation. The score for this variant resulted in a classification of benign for this disease.

GeneDx
Classification: Benign. Last evaluated: 2016-01-12. Review status: criteria provided, single submitter. Criteria: GeneDx Variant Classification (06012015). Collection method: clinical testing. Allele origin: germline. Affected: yes.
Comment: This variant is considered likely benign or benign based on one or more of the following criteria: it is a conservative change, it occurs at a poorly conserved position in the protein, it is predicted to be benign by multiple in silico algorithms, and/or has population frequency not consistent with disease.

Breakthrough Genomics
Classification: Benign. Review status: criteria provided, single submitter. Criteria: ACMG Guidelines, 2015. Collection method: not provided. Allele origin: germline. Inheritance: Autosomal recessive inheritance. Affected: yes.

PreventionGenetics, part of Exact Sciences
Classification: Benign. Review status: criteria provided, single submitter. Criteria: ACMG Guidelines, 2015. Collection method: clinical testing. Allele origin: germline.

Dr. Peter K. Rogan Lab, Western University
No classification provided (evidence only). Condition: Acute myeloid leukemia. Review status: no classification provided. Collection method: in vitro. Allele origin: not applicable. Functional consequence: retained intron. Not counted in ClinVar's aggregate classification.

Dr. Peter K. Rogan Lab, Western University
No classification provided (evidence only). Condition: Thyroid cancer, nonmedullary, 1. Review status: no classification provided. Collection method: in vitro. Allele origin: not applicable. Functional consequence: skipped exon. Not counted in ClinVar's aggregate classification.

Dr. Peter K. Rogan Lab, Western University
No classification provided (evidence only). Condition: Uterine corpus endometrial carcinoma. Review status: no classification provided. Collection method: in vitro. Allele origin: not applicable. Functional consequence: retained intron. Not counted in ClinVar's aggregate classification.

Dr. Peter K. Rogan Lab, Western University
No classification provided (evidence only). Condition: Uterine corpus endometrial carcinoma. Review status: no classification provided. Collection method: in vitro. Allele origin: not applicable. Functional consequence: retained intron. Not counted in ClinVar's aggregate classification.

Dr. Peter K. Rogan Lab, Western University
No classification provided (evidence only). Condition: Uterine corpus endometrial carcinoma. Review status: no classification provided. Collection method: in vitro. Allele origin: not applicable. Functional consequence: retained intron. Not counted in ClinVar's aggregate classification.

Dr. Peter K. Rogan Lab, Western University
No classification provided (evidence only). Condition: Uterine corpus endometrial carcinoma. Review status: no classification provided. Collection method: in vitro. Allele origin: not applicable. Functional consequence: retained intron. Not counted in ClinVar's aggregate classification.

Dr. Peter K. Rogan Lab, Western University
No classification provided (evidence only). Condition: Nonpapillary renal cell carcinoma. Review status: no classification provided. Collection method: in vitro. Allele origin: not applicable. Functional consequence: retained intron. Not counted in ClinVar's aggregate classification.

Dr. Peter K. Rogan Lab, Western University
No classification provided (evidence only). Condition: Cholangiocarcinoma. Review status: no classification provided. Collection method: in vitro. Allele origin: not applicable. Functional consequence: retained intron. Not counted in ClinVar's aggregate classification.

Dr. Peter K. Rogan Lab, Western University
No classification provided (evidence only). Condition: Ovarian serous cystadenocarcinoma. Review status: no classification provided. Collection method: in vitro. Allele origin: not applicable. Functional consequence: retained intron. Not counted in ClinVar's aggregate classification.

Dr. Peter K. Rogan Lab, Western University
No classification provided (evidence only). Condition: Malignant tumor of esophagus. Review status: no classification provided. Collection method: in vitro. Allele origin: not applicable. Functional consequence: retained intron. Not counted in ClinVar's aggregate classification.